The following is an entry in ClinVar:

NM_014639.4(SKIC3):c.2489C>T (p.Ala830Val)

Gene: SKIC3 (SKI3 subunit of superkiller complex; minus strand). Cytogenetic location: 5q15.
Variant type: single nucleotide variant.
Coding change: c.2489C>T on transcript NM_014639.4 (MANE Select); coding-DNA position 2489, C replaced by T.
Protein change: p.Ala830Val; replaces alanine 830 with valine.
Molecular consequence: missense variant.
Genome position (GRCh38, 1-based): chr5:95,516,698, G>A on the plus strand (C>T on the coding strand, the complement: SKIC3 is on the minus strand). VCF-style: chr5-95516698-G-A. GRCh37 (hg19) VCF-style: chr5-94852402-G-A.
Other names: short protein forms A830V.
Identifiers: ClinVar variation 1388290 (VCV001388290.6), dbSNP rs2112318670, ClinGen allele CA360458128.
Genomic context (GRCh38, chr5:95,516,698, plus strand): 5'-TTCTAAAAATATTGAAGTGTTACTCAATTCTCACCACTGTAACATGCAACCACACCAAGA[G>A]CATTCCAGTATAAGTGATTATTACTGTCGAGTCTCACTGCTTTTTTCAGACACTGAAAAG-3'
Protein context (NP_055454.1, residues 820-840): LDSNNHLYWN[Ala830Val]LGVVACYSGI

ClinVar aggregate classification (germline): Uncertain significance (1 of 4 stars; one submission).

Submission:

Labcorp Genetics (formerly Invitae), Labcorp
Classification: Uncertain significance. Last evaluated: 2021-10-21. Review status: criteria provided, single submitter. Criteria: Invitae Variant Classification Sherloc (09022015). Collection method: clinical testing. Allele origin: germline.
Comment: In summary, the available evidence is currently insufficient to determine the role of this variant in disease. Therefore, it has been classified as a Variant of Uncertain Significance. This variant has not been reported in the literature in individuals affected with TTC37-related conditions. This sequence change replaces alanine with valine at codon 830 of the TTC37 protein (p.Ala830Val). The alanine residue is moderately conserved and there is a small physicochemical difference between alanine and valine. This variant is not present in population databases (ExAC no frequency). Algorithms developed to predict the effect of missense changes on protein structure and function are either unavailable or do not agree on the potential impact of this missense change (SIFT: "Tolerated"; PolyPhen-2: "Possibly Damaging"; Align-GVGD: "Class C0").